The following is an entry in ClinVar:

ClinVar aggregate classification (germline): Uncertain significance. Review status: criteria provided, multiple submitters, no conflicts (2 of 4 stars). 2 submissions from 2 submitters: Uncertain significance (2). Last evaluated 2025-09-05.

Allele frequency attached by ClinVar (database versions not stated): gnomAD 0.00001; ExAC 0.00002; gnomAD exomes 0.00002.

Submissions (2):

Ambry Genetics
Classification: Uncertain significance. Last evaluated: 2025-09-05. Review status: criteria provided, single submitter. Criteria: Ambry Variant Classification Scheme 2023. Collection method: clinical testing. Allele origin: germline.

Labcorp Genetics (formerly Invitae), Labcorp
Classification: Uncertain significance. Last evaluated: 2022-08-23. Review status: criteria provided, single submitter. Criteria: Invitae Variant Classification Sherloc (09022015). Collection method: clinical testing. Allele origin: germline.
Comment: In summary, the available evidence is currently insufficient to determine the role of this variant in disease. Therefore, it has been classified as a Variant of Uncertain Significance. Algorithms developed to predict the effect of missense changes on protein structure and function are either unavailable or do not agree on the potential impact of this missense change (SIFT: "Deleterious"; PolyPhen-2: "Possibly Damaging"; Align-GVGD: "Class C0"). ClinVar contains an entry for this variant (Variation ID: 1368373). This variant has not been reported in the literature in individuals affected with SAMD11-related conditions. This variant is present in population databases (rs774782309, gnomAD 0.02%). This sequence change replaces serine, which is neutral and polar, with arginine, which is basic and polar, at codon 61 of the SAMD11 protein (p.Ser61Arg).

NM_001385641.1(SAMD11):c.720T>G (p.Ser240Arg)

Gene: SAMD11 (sterile alpha motif domain containing 11; plus strand). Cytogenetic location: 1p36.33.
Variant type: single nucleotide variant.
Coding change: c.720T>G on transcript NM_001385641.1 (MANE Select); coding-DNA position 720, T replaced by G.
Protein change: p.Ser240Arg; replaces serine 240 with arginine.
Molecular consequence: missense variant.
Genome position (GRCh38, 1-based): chr1:930,265, T>G. VCF-style: chr1-930265-T-G. GRCh37 (hg19) VCF-style: chr1-865645-T-G.
Other names: c.720T>G, p.Ser240Arg (NM_001385640.1); c.183T>G, p.Ser61Arg (NM_152486.4); c.183T>G (NM_152486.2); short protein forms S61R, S240R.
Identifiers: ClinVar variation 1368373 (VCV001368373.7), dbSNP rs774782309, ClinGen allele CA502444.